The following is an entry in ClinVar:

ClinVar aggregate classification (germline): Likely benign (1 of 4 stars; one submission).

Allele frequency attached by ClinVar (database versions not stated): 1000 Genomes Project 0.00040; TOPMed 0.00092; ExAC 0.00097; 1000 Genomes Project 30x 0.00031; gnomAD 0.00105; ESP Exome Variant Server 0.00119; gnomAD exomes 0.00159.
gnomAD v4.1: 2,468 of 1,612,892 alleles (0.15%); highest among the groups gnomAD compares: Middle Eastern, 0.22%; 7 homozygotes.

Submission:

CeGaT Center for Human Genetics Tuebingen
Classification: Likely benign. Last evaluated: 2022-08-01. Review status: criteria provided, single submitter. Criteria: CeGaT Center For Human Genetics Tuebingen Variant Classification Criteria Version 2. Collection method: clinical testing. Allele origin: germline. Affected: yes. Observed: 1 variant allele.
Comment: TRIM31: BP4, BP7

NM_007028.5(TRIM31):c.1029C>A (p.Gly343=)

Gene: TRIM31 (tripartite motif containing 31; minus strand). Cytogenetic location: 6p22.1.
Variant type: single nucleotide variant.
Coding change: c.1029C>A on transcript NM_007028.5 (MANE Select); coding-DNA position 1029, C replaced by A.
Protein change: p.Gly343=; no amino-acid change (glycine 343 retained).
Molecular consequence: synonymous variant. On other transcripts: non-coding transcript variant (2).
Genome position (GRCh38, 1-based): chr6:30,103,785, G>T on the plus strand (C>A on the coding strand, the complement: TRIM31 is on the minus strand). VCF-style: chr6-30103785-G-T. GRCh37 (hg19) VCF-style: chr6-30071562-G-T.
Other names: c.*158C>A (NM_052816.2).
Identifiers: ClinVar variation 2656333 (VCV002656333.24), dbSNP rs61745624, ClinGen allele CA3694612.